The following is an entry in ClinVar:

ClinVar aggregate classification (germline): Uncertain significance (1 of 4 stars; one submission).

gnomAD v4.1: 9 of 1,614,000 alleles (0.00056%); highest among the groups gnomAD compares: African/African-American, 0.0053%; no homozygotes.

Submission:

Labcorp Genetics (formerly Invitae), Labcorp
Classification: Uncertain significance. Last evaluated: 2025-08-26. Review status: criteria provided, single submitter. Criteria: Invitae Variant Classification Sherloc (09022015). Collection method: clinical testing. Allele origin: germline.
Comment: This sequence change replaces alanine, which is neutral and non-polar, with serine, which is neutral and polar, at codon 412 of the GHR protein (p.Ala412Ser). This variant is present in population databases (no rsID available, gnomAD 0.009%). This variant has not been reported in the literature in individuals affected with GHR-related conditions. Invitae Evidence Modeling of protein sequence and biophysical properties (such as structural, functional, and spatial information, amino acid conservation, physicochemical variation, residue mobility, and thermodynamic stability) indicates that this missense variant is not expected to disrupt GHR protein function with a negative predictive value of 95%. In summary, the available evidence is currently insufficient to determine the role of this variant in disease. Therefore, it has been classified as a Variant of Uncertain Significance.

NM_000163.5(GHR):c.1234G>T (p.Ala412Ser)

Gene: GHR (growth hormone receptor; plus strand). Cytogenetic location: 5p12.
Variant type: single nucleotide variant.
Coding change: c.1234G>T on transcript NM_000163.5 (MANE Select); coding-DNA position 1234, G replaced by T.
Protein change: p.Ala412Ser; replaces alanine 412 with serine.
Molecular consequence: missense variant. On other transcripts: 3 prime UTR variant (1).
Genome position (GRCh38, 1-based): chr5:42,718,741, G>T. VCF-style: chr5-42718741-G-T. GRCh37 (hg19) VCF-style: chr5-42718843-G-T.
Other names: c.1255G>T, p.Ala419Ser (NM_001242399.2); c.1234G>T, p.Ala412Ser (NM_001242400.2, NM_001242401.4, NM_001242402.2 and 4 more transcripts); c.1168G>T, p.Ala390Ser (NM_001242460.2); c.*276G>T (NM_001242462.1); short protein forms A390S, A412S, A419S.
Identifiers: ClinVar variation 4701695 (VCV004701695.1).